The following is an entry in ClinVar:

NM_001036.6(RYR3):c.9143G>A (p.Arg3048His)

Gene: RYR3 (ryanodine receptor 3; plus strand). Cytogenetic location: 15q14.
Variant type: single nucleotide variant.
Coding change: c.9143G>A on transcript NM_001036.6 (MANE Select); coding-DNA position 9143, G replaced by A.
Protein change: p.Arg3048His; replaces arginine 3048 with histidine.
Molecular consequence: missense variant.
Genome position (GRCh38, 1-based): chr15:33,780,216, G>A. VCF-style: chr15-33780216-G-A. GRCh37 (hg19) VCF-style: chr15-34072417-G-A.
Other names: c.9143G>A, p.Arg3048His (NM_001243996.4); short protein forms R3048H.
Identifiers: ClinVar variation 947763 (VCV000947763.9), dbSNP rs139568967, ClinGen allele CA7460438.

ClinVar aggregate classification (germline): Uncertain significance (1 of 4 stars; one submission).

Conditions:
Epileptic encephalopathy. Identifiers: MedGen C0543888, HP:0200134.

Allele frequency attached by ClinVar (database versions not stated): TOPMed 0.00005.
gnomAD v4.1: 41 of 1,613,538 alleles (0.0025%); highest among the groups gnomAD compares: Admixed American, 0.0033%; no homozygotes.

Submission:

Labcorp Genetics (formerly Invitae), Labcorp
Classification: Uncertain significance for Epileptic encephalopathy. Last evaluated: 2019-06-12. Review status: criteria provided, single submitter. Criteria: Invitae Variant Classification Sherloc (09022015). Collection method: clinical testing. Allele origin: germline.
Comment: In summary, the available evidence is currently insufficient to determine the role of this variant in disease. Therefore, it has been classified as a Variant of Uncertain Significance. Algorithms developed to predict the effect of missense changes on protein structure and function are either unavailable or do not agree on the potential impact of this missense change (SIFT: "Tolerated"; PolyPhen-2: "Possibly Damaging"; Align-GVGD: "Class C0"). This variant has not been reported in the literature in individuals with RYR3-related conditions. This variant is present in population databases (rs139568967, ExAC 0.009%). This sequence change replaces arginine with histidine at codon 3048 of the RYR3 protein (p.Arg3048His). The arginine residue is moderately conserved and there is a small physicochemical difference between arginine and histidine.